The following is an entry in ClinVar:

ClinVar aggregate classification (germline): Conflicting classifications of pathogenicity. Review status: criteria provided, conflicting classifications (1 of 4 stars). 2 submissions from 2 submitters: Likely pathogenic (1); Uncertain significance (1). Last evaluated 2019-12-05.

Conditions:
EXT1-related disorders.
Multiple congenital exostosis (EXT). Also called: Hereditary multiple exostoses; Hereditary multiple exostosis; MULTIPLE CARTILAGINOUS EXOSTOSES; Multiple exostoses; Multiple osteochondromas; Hereditary multiple osteochondromas. Identifiers: Orphanet 321, MedGen C0015306, MONDO:0005508, HP:0002762.

Submissions (2):

Blueprint Genetics
Classification: Likely pathogenic for EXT1-related disorders. Last evaluated: 2019-12-05. Review status: criteria provided, single submitter. Criteria: ACMG Guidelines, 2015. Collection method: clinical testing. Allele origin: germline. Affected: yes. Observed: 1 variant allele.

Labcorp Genetics (formerly Invitae), Labcorp
Classification: Uncertain significance for Multiple congenital exostosis. Last evaluated: 2019-09-26. Review status: criteria provided, single submitter. Criteria: Invitae Variant Classification Sherloc (09022015). Collection method: clinical testing. Allele origin: germline.
Comment: In summary, the available evidence is currently insufficient to determine the role of this variant in disease. Therefore, it has been classified as a Variant of Uncertain Significance. Nucleotide substitutions within the consensus splice site are a relatively common cause of aberrant splicing (PMID: 17576681, 9536098). Algorithms developed to predict the effect of sequence changes on RNA splicing suggest that this variant may disrupt the consensus splice site, but this prediction has not been confirmed by published transcriptional studies. This variant is not present in population databases (ExAC no frequency). This sequence change falls in intron 3 of the EXT1 gene. It does not directly change the encoded amino acid sequence of the EXT1 protein, but it affects a nucleotide within the consensus splice site of the intron.

Literature cited by the submitters: PubMed 17576681 (cited by Labcorp Genetics (formerly Invitae), Labcorp); PubMed 9536098 (cited by Labcorp Genetics (formerly Invitae), Labcorp).

NM_000127.3(EXT1):c.1165-3C>G

Gene: EXT1 (exostosin glycosyltransferase 1; minus strand). Cytogenetic location: 8q24.11.
Variant type: single nucleotide variant.
Coding change: c.1165-3C>G on transcript NM_000127.3 (MANE Select); 3 bases into the intron before coding-DNA position 1165, C replaced by G.
Molecular consequence: intron variant.
Genome position (GRCh38, 1-based): chr8:117,830,352, G>C on the plus strand (C>G on the coding strand, the complement: EXT1 is on the minus strand). VCF-style: chr8-117830352-G-C. GRCh37 (hg19) VCF-style: chr8-118842591-G-C.
Identifiers: ClinVar variation 934828 (VCV000934828.10), dbSNP rs1812078461, ClinGen allele CA1139660733.